The following is an entry in ClinVar:

ClinVar aggregate classification (germline): Likely pathogenic (1 of 4 stars; one submission).

Conditions:
PIEZO1-related disorder. Also called: PIEZO1-related condition; PIEZO1-Related Disorders.

Submission:

PreventionGenetics, part of Exact Sciences
Classification: Likely pathogenic for PIEZO1-related condition. Last evaluated: 2023-08-03. Review status: criteria provided, single submitter. Criteria: ACMG Guidelines, 2015. Collection method: clinical testing. Allele origin: germline.
Comment: The PIEZO1 c.674delT variant is predicted to result in a frameshift and premature protein termination (p.Leu225Argfs*131). To our knowledge, this variant has not been reported in the literature or in a large population database, indicating this variant is rare. Frameshift variants in PIEZO1 are expected to be pathogenic. This variant is interpreted as likely pathogenic.

NM_001142864.4(PIEZO1):c.674del (p.Leu225fs)

Genes: HSALR1 (HSP90AB1 associated lncRNA 1; plus strand), PIEZO1 (piezo type mechanosensitive ion channel component 1 (Er blood group); minus strand). Cytogenetic location: 16q24.3.
Variant type: Deletion.
Coding change: c.674del on transcript NM_001142864.4 (MANE Select); coding-DNA position 674, one base deleted (T; older notation c.674delT).
Protein change: p.Leu225fs; shifts the reading frame from leucine 225.
Molecular consequence: frameshift variant. On other transcripts: non-coding transcript variant (1).
Genome position (GRCh38, 1-based): chr16:88,738,401, A deleted on the plus strand (T on the coding strand, the reverse complement: PIEZO1 is on the minus strand). VCF-style (leftmost placement, unchanged base first): chr16-88738400-CA-C. GRCh37 (hg19) VCF-style: chr16-88804808-CA-C.
Other names: short protein forms L225fs.
Identifiers: ClinVar variation 2637086 (VCV002637086.1), dbSNP rs2507926524, ClinGen allele CA2695201167.